The following is an entry in ClinVar:

ClinVar aggregate classification (germline): Likely pathogenic. Review status: criteria provided, multiple submitters, no conflicts (2 of 4 stars). 2 submissions from 2 submitters: Likely pathogenic (2). Last evaluated 2024-11-02.

Conditions:
Autosomal recessive nonsyndromic hearing loss 3. Also called: NEUROSENSORY NONSYNDROMIC RECESSIVE DEAFNESS 3. Identifiers: Orphanet 90636, MedGen C1838263, MONDO:0010860, OMIM 600316.

gnomAD v4.1: 1 of 1,614,182 alleles (0.000062%); highest among the groups gnomAD compares: African/African-American, 0.0013%; no homozygotes.

Submissions (2):

ENT and Head and Neck Research Center and Department,  The Five Senses Health Institute, Iran University of Medical Sciences
Classification: Likely pathogenic for Autosomal recessive nonsyndromic hearing loss 3. Last evaluated: 2024-11-02. Review status: criteria provided, single submitter. Criteria: ClinGen HL ACMG Specifications v1. Collection method: clinical testing. Allele origin: germline. Affected: yes.
Comment: PM2: Variant not found in gnomAD genomes, good gnomAD genomes coverage = 31.6., PP1: Segregation in one affected relative for recessive, PP5: PMID: 30579064, PM1: UniProt protein MYO15_HUMAN domain 'FERM 2'

Genetics Research Center, University of Social Welfare and Rehabilitation Sciences
Classification: Likely pathogenic for Autosomal recessive nonsyndromic hearing loss 3. Review status: criteria provided, single submitter. Criteria: ACMG Guidelines, 2015. Collection method: research. Allele origin: germline. Affected: yes.
Comment: The variant is not present in the gnomAD v2.1.1 dataset and was identified in homozygous state in an Iranian consanguineous family with prelingual autosomal recessive nonsyndromic hearing loss (PMID:40275102, 30579064). The variant affects a highly conserved residue within the second FERM domain, a critical functional region enriched for pathogenic variants. Although this variant is annotated as missense, SpliceAI predicts a strong splice-altering effect, suggesting a potential impact on pre-mRNA processing. However, in the absence of RNA-level or functional splicing data, this prediction alone is insufficient to apply PVS1, and the variant is therefore evaluated using supporting computational evidence (PP3).

Literature cited by the submitters: DOI 10.1038/s41598-025-99417-7 (cited by ENT and Head and Neck Research Center and Department,  The Five Senses Health Institute, Iran University of Medical Sciences); PubMed 30579064 (cited by Genetics Research Center, University of Social Welfare and Rehabilitation Sciences); PubMed 40275102 (cited by Genetics Research Center, University of Social Welfare and Rehabilitation Sciences).

NM_016239.4(MYO15A):c.10266G>C (p.Gln3422His)

Gene: MYO15A (myosin XVA; plus strand). Cytogenetic location: 17p11.2.
Variant type: single nucleotide variant.
Coding change: c.10266G>C on transcript NM_016239.4 (MANE Select); coding-DNA position 10266, G replaced by C.
Protein change: p.Gln3422His; replaces glutamine 3422 with histidine.
Molecular consequence: missense variant.
Genome position (GRCh38, 1-based): chr17:18,172,206, G>C. VCF-style: chr17-18172206-G-C. GRCh37 (hg19) VCF-style: chr17-18075520-G-C.
Other names: short protein forms Q3422H.
Identifiers: ClinVar variation 3370467 (VCV003370467.2).
Genomic context (GRCh38, chr17:18,172,206, plus strand): 5'-TCCCTGCCCAGGCCTCCTCAGCGCCTTACCTATGTTCGGCTCCTCCTTCTTCTTCATCCA[G>C]AGCTGCAGCAACATTGCTGTGCCAGCCCCTTGCATCCTTGCCATCAACCACAATGGCCTC-3'
Protein context (NP_057323.3, residues 3412-3432): PMFGSSFFFI[Gln3422His]SCSNIAVPAP